The following is an entry in ClinVar:

ClinVar aggregate classification (germline): Conflicting classifications of pathogenicity. Review status: criteria provided, conflicting classifications (1 of 4 stars). 5 submissions from 5 submitters: Uncertain significance (2); Likely benign (3). Last evaluated 2025-10-29.

Conditions:
Cardiovascular phenotype. Identifiers: MedGen CN230736.
RASopathy. Also called: rasopathies; Noonan spectrum disorder. Identifiers: Orphanet 536391, MedGen C5555857, MONDO:0021060.

Allele frequency attached by ClinVar (database versions not stated): gnomAD 0.00001; TOPMed 0.00002.

Submissions (5):

Labcorp Genetics (formerly Invitae), Labcorp
Classification: Likely benign for RASopathy. Last evaluated: 2025-10-29. Review status: criteria provided, single submitter. Criteria: Invitae Variant Classification Sherloc (09022015). Collection method: clinical testing. Allele origin: germline.

Ambry Genetics
Classification: Uncertain significance for Cardiovascular phenotype. Last evaluated: 2024-01-27. Review status: criteria provided, single submitter. Criteria: Ambry Variant Classification Scheme 2023. Collection method: clinical testing. Allele origin: germline.
Comment: The p.S1000C variant (also known as c.2998A>T), located in coding exon 19 of the SOS1 gene, results from an A to T substitution at nucleotide position 2998. The serine at codon 1000 is replaced by cysteine, an amino acid with dissimilar properties. This amino acid position is conserved. In addition, this alteration is predicted to be tolerated by in silico analysis. Based on the available evidence, the clinical significance of this alteration remains unclear.

Blueprint Genetics
Classification: Likely benign. Last evaluated: 2022-07-25. Review status: criteria provided, single submitter. Criteria: ACMG Guidelines, 2015. Collection method: clinical testing. Allele origin: germline.

Women's Health and Genetics/Laboratory Corporation of America, LabCorp
Classification: Uncertain significance. Last evaluated: 2021-03-15. Review status: criteria provided, single submitter. Criteria: LabCorp Variant Classification Summary - May 2015. Collection method: clinical testing. Allele origin: germline.
Comment: Variant summary: SOS1 c.2998A>T (p.Ser1000Cys) results in a non-conservative amino acid change located in the Ras guanine-nucleotide exchange factors catalytic domain (IPR001895) of the encoded protein sequence. Three of five in-silico tools predict a benign effect of the variant on protein function. The variant allele was found at a frequency of 2e-05 in 250712 control chromosomes (gnomAD). The available data on variant occurrences in the general population are insufficient to allow any conclusion about variant significance. To our knowledge, no occurrence of c.2998A>T in individuals affected with Noonan Syndrome and no experimental evidence demonstrating its impact on protein function have been reported. A ClinVar submitter (evaluation after 2014) cites the variant as uncertain significance. Based on the evidence outlined above, the variant was classified as uncertain significance.

GeneDx
Classification: Likely benign. Last evaluated: 2020-01-27. Review status: criteria provided, single submitter. Criteria: GeneDx Variant Classification Process June 2021. Collection method: clinical testing. Allele origin: germline. Affected: yes.

NM_005633.4(SOS1):c.2998A>T (p.Ser1000Cys)

Gene: SOS1 (SOS Ras/Rac guanine nucleotide exchange factor 1; minus strand). Cytogenetic location: 2p22.1.
Variant type: single nucleotide variant.
Coding change: c.2998A>T on transcript NM_005633.4 (MANE Select); coding-DNA position 2998, A replaced by T.
Protein change: p.Ser1000Cys; replaces serine 1000 with cysteine.
Molecular consequence: missense variant.
Genome position (GRCh38, 1-based): chr2:38,997,005, T>A on the plus strand (A>T on the coding strand, the complement: SOS1 is on the minus strand). VCF-style: chr2-38997005-T-A. GRCh37 (hg19) VCF-style: chr2-39224146-T-A.
Other names: p.S1000C:AGC>TGC; c.2977A>T, p.Ser993Cys (NM_001382394.1); c.2998A>T, p.Ser1000Cys (NM_001382395.1); short protein forms S1000C, S993C.
Identifiers: ClinVar variation 40715 (VCV000040715.14), dbSNP rs730881031, ClinGen allele CA297222.